The following is an entry in ClinVar:

NM_000234.3(LIG1):c.818A>G (p.Tyr273Cys)

Gene: LIG1 (DNA ligase 1; minus strand). Cytogenetic location: 19q13.33.
Variant type: single nucleotide variant.
Coding change: c.818A>G on transcript NM_000234.3 (MANE Select); coding-DNA position 818, A replaced by G.
Protein change: p.Tyr273Cys; replaces tyrosine 273 with cysteine.
Molecular consequence: missense variant. On other transcripts: non-coding transcript variant (6).
Genome position (GRCh38, 1-based): chr19:48,143,922, T>C on the plus strand (A>G on the coding strand, the complement: LIG1 is on the minus strand). VCF-style: chr19-48143922-T-C. GRCh37 (hg19) VCF-style: chr19-48647179-T-C.
Other names: c.725A>G, p.Tyr242Cys (NM_001289063.2); c.614A>G, p.Tyr205Cys (NM_001289064.2); c.815A>G, p.Tyr272Cys (NM_001320970.2); c.728A>G, p.Tyr243Cys (NM_001320971.2); short protein forms Y243C, Y273C, Y242C, Y272C, Y205C.
Identifiers: ClinVar variation 4704961 (VCV004704961.1).

ClinVar aggregate classification (germline): Uncertain significance (1 of 4 stars; one submission).

gnomAD v4.1: 8 of 1,613,952 alleles (0.0005%); highest among the groups gnomAD compares: African/African-American, 0.0053%; no homozygotes.

Submission:

Labcorp Genetics (formerly Invitae), Labcorp
Classification: Uncertain significance. Last evaluated: 2025-04-10. Review status: criteria provided, single submitter. Criteria: Invitae Variant Classification Sherloc (09022015). Collection method: clinical testing. Allele origin: germline.
Comment: This sequence change replaces tyrosine, which is neutral and polar, with cysteine, which is neutral and slightly polar, at codon 273 of the LIG1 protein (p.Tyr273Cys). This variant is present in population databases (rs367887927, gnomAD 0.02%). This variant has not been reported in the literature in individuals affected with LIG1-related conditions. An algorithm developed to predict the effect of missense changes on protein structure and function (PolyPhen-2) suggests that this variant is likely to be disruptive. In summary, the available evidence is currently insufficient to determine the role of this variant in disease. Therefore, it has been classified as a Variant of Uncertain Significance.